The following is an entry in ClinVar:

ClinVar aggregate classification (germline): Uncertain significance (1 of 4 stars; one submission).

Conditions:
Hereditary cancer-predisposing syndrome. Also called: Neoplastic Syndromes, Hereditary; Tumor predisposition; Hereditary Cancer Syndrome; Hereditary neoplastic syndrome. Identifiers: Orphanet 140162, MedGen C0027672, MeSH D009386, MONDO:0015356.

Submission:

Ambry Genetics
Classification: Uncertain significance for Hereditary cancer-predisposing syndrome. Last evaluated: 2026-01-03. Review status: criteria provided, single submitter. Criteria: Ambry Variant Classification Scheme 2023. Collection method: clinical testing. Allele origin: germline.
Comment: The p.S793R variant (also known as c.2379C>G), located in coding exon 14 of the PMS2 gene, results from a C to G substitution at nucleotide position 2379. The serine at codon 793 is replaced by arginine, an amino acid with dissimilar properties. This amino acid position is conserved. In addition, this alteration is predicted to be tolerated by in silico analysis. Based on the available evidence, the clinical significance of this variant remains unclear.

NM_000535.7(PMS2):c.2379C>G (p.Ser793Arg)

Gene: PMS2 (PMS1 homolog 2, mismatch repair system component; minus strand). Cytogenetic location: 7p22.1.
Variant type: single nucleotide variant.
Coding change: c.2379C>G on transcript NM_000535.7 (MANE Select); coding-DNA position 2379, C replaced by G.
Protein change: p.Ser793Arg; replaces serine 793 with arginine.
Molecular consequence: missense variant. On other transcripts: non-coding transcript variant (1).
Genome position (GRCh38, 1-based): chr7:5,977,654, G>C on the plus strand (C>G on the coding strand, the complement: PMS2 is on the minus strand). VCF-style: chr7-5977654-G-C. GRCh37 (hg19) VCF-style: chr7-6017285-G-C.
Other names: c.1446C>G, p.Ser482Arg (NM_001322012.2, NM_001322011.2); c.1806C>G, p.Ser602Arg (NM_001322013.2, NM_001406908.1, NM_001406909.1); c.2412C>G, p.Ser804Arg (NM_001322014.2); c.2094C>G, p.Ser698Arg (NM_001406876.1); c.2070C>G, p.Ser690Arg (NM_001406877.1, NM_001406878.1, NM_001406879.1 and 4 more transcripts); c.2061C>G, p.Ser687Arg (NM_001406883.1, NM_001322007.2, NM_001322008.2); c.2055C>G, p.Ser685Arg (NM_001406884.1); c.2223C>G, p.Ser741Arg (NM_001322006.2); and 20 more; short protein forms S482R, S631R, S669R, S671R, S687R, S701R, S741R, S793R.
Identifiers: ClinVar variation 4842995 (VCV004842995.1).
Genomic context (GRCh38, chr7:5,977,654, plus strand): 5'-CCGGCAGGCTCTGGAGGCAAACATCTGCTTGACTCGGGAAGGCCGGCACATGACCCCAGG[G>C]CTGTCGCTCAGCATGAAGATCAGTTCATCGACGTCCTGGGGTCCGAAGGTCCAGTTTTTA-3'
Protein context (NP_000526.2, residues 783-803): VDELIFMLSD[Ser793Arg]PGVMCRPSRV